The following is an entry in ClinVar:

ClinVar aggregate classification (germline): Uncertain significance. Review status: criteria provided, multiple submitters, no conflicts (2 of 4 stars). 2 submissions from 2 submitters: Uncertain significance (2). Last evaluated 2025-07-07.

Allele frequency attached by ClinVar (database versions not stated): ExAC 0.00001; gnomAD exomes 0.00001.
gnomAD v4.1: 20 of 1,613,656 alleles (0.0012%); highest among the groups gnomAD compares: Middle Eastern, 0.016%; no homozygotes.

Submissions (2):

Labcorp Genetics (formerly Invitae), Labcorp
Classification: Uncertain significance. Last evaluated: 2025-07-07. Review status: criteria provided, single submitter. Criteria: Invitae Variant Classification Sherloc (09022015). Collection method: clinical testing. Allele origin: germline.
Comment: This sequence change replaces alanine, which is neutral and non-polar, with glutamic acid, which is acidic and polar, at codon 304 of the BACH2 protein (p.Ala304Glu). This variant is present in population databases (rs747189218, gnomAD 0.009%). This variant has not been reported in the literature in individuals affected with BACH2-related conditions. ClinVar contains an entry for this variant (Variation ID: 1361553). Invitae Evidence Modeling of protein sequence and biophysical properties (such as structural, functional, and spatial information, amino acid conservation, physicochemical variation, residue mobility, and thermodynamic stability) indicates that this missense variant is not expected to disrupt BACH2 protein function with a negative predictive value of 80%. In summary, the available evidence is currently insufficient to determine the role of this variant in disease. Therefore, it has been classified as a Variant of Uncertain Significance.

Ambry Genetics
Classification: Uncertain significance. Last evaluated: 2023-02-15. Review status: criteria provided, single submitter. Criteria: Ambry Variant Classification Scheme 2023. Collection method: clinical testing. Allele origin: germline.

NM_021813.4(BACH2):c.911C>A (p.Ala304Glu)

Gene: BACH2 (BACH transcriptional regulator 2; minus strand). Cytogenetic location: 6q15.
Variant type: single nucleotide variant.
Coding change: c.911C>A on transcript NM_021813.4 (MANE Select); coding-DNA position 911, C replaced by A.
Protein change: p.Ala304Glu; replaces alanine 304 with glutamic acid.
Molecular consequence: missense variant.
Genome position (GRCh38, 1-based): chr6:89,951,195, G>T on the plus strand (C>A on the coding strand, the complement: BACH2 is on the minus strand). VCF-style: chr6-89951195-G-T. GRCh37 (hg19) VCF-style: chr6-90660914-G-T.
Other names: c.911C>A, p.Ala304Glu (NM_001170794.2); c.911C>A (NM_021813.2); short protein forms A304E.
Identifiers: ClinVar variation 1361553 (VCV001361553.7), dbSNP rs747189218, ClinGen allele CA3928087.
Genomic context (GRCh38, chr6:89,951,195, plus strand): 5'-GCTGGGGCCGTGGGGGTAGGGGCAGGGCTGGGCTGTTTCCGGTCCATCTCGACATCCCCC[G>T]CTCTGTCCTTGGCGTCAGGCTCATCTCCAGACAGGCAGAGCGTGATGCTCTCTTCCTCAT-3'
Protein context (NP_068585.1, residues 294-314): SGDEPDAKDR[Ala304Glu]GDVEMDRKQP